The following is an entry in ClinVar:

ClinVar aggregate classification (germline): Uncertain significance (1 of 4 stars; one submission).

gnomAD v4.1: 1 of 1,614,180 alleles (0.000062%); highest among the groups gnomAD compares: Non-Finnish European, 0.000085%; no homozygotes.

Submission:

GeneDx
Classification: Uncertain significance. Last evaluated: 2024-06-13. Review status: criteria provided, single submitter. Criteria: GeneDx Variant Classification Process June 2021. Collection method: clinical testing. Allele origin: germline. Affected: yes.
Comment: Not observed at significant frequency in large population cohorts (gnomAD); In silico analysis supports that this missense variant has a deleterious effect on protein structure/function; Has not been previously published as pathogenic or benign to our knowledge

NM_000814.6(GABRB3):c.619G>A (p.Glu207Lys)

Gene: GABRB3 (gamma-aminobutyric acid type A receptor subunit beta3; minus strand). Cytogenetic location: 15q12.
Variant type: single nucleotide variant.
Coding change: c.619G>A on transcript NM_000814.6 (MANE Select); coding-DNA position 619, G replaced by A.
Protein change: p.Glu207Lys; replaces glutamic acid 207 with lysine.
Molecular consequence: missense variant.
Genome position (GRCh38, 1-based): chr15:26,580,382, C>T on the plus strand (G>A on the coding strand, the complement: GABRB3 is on the minus strand). VCF-style: chr15-26580382-C-T. GRCh37 (hg19) VCF-style: chr15-26825529-C-T.
Other names: c.364G>A, p.Glu122Lys (NM_001191320.2, NM_001278631.2); c.406G>A, p.Glu136Lys (NM_001191321.3); c.619G>A, p.Glu207Lys (NM_021912.5); short protein forms E122K, E136K, E207K.
Identifiers: ClinVar variation 3390438 (VCV003390438.1).